The following is an entry in ClinVar:

NM_024408.4(NOTCH2):c.6193_6194dup (p.Asn2066fs)

Gene: NOTCH2 (notch receptor 2; minus strand). Cytogenetic location: 1p12.
Variant type: Duplication.
Coding change: c.6193_6194dup on transcript NM_024408.4 (MANE Select); coding-DNA positions 6193 to 6194, 2 bases duplicated (TA; older notation c.6193_6194dupTA).
Protein change: p.Asn2066fs; shifts the reading frame from asparagine 2066.
Molecular consequence: frameshift variant.
Genome position (GRCh38, 1-based): chr1:119,916,528-119,916,529, TA duplicated on the plus strand (TA on the coding strand, the reverse complement: NOTCH2 is on the minus strand); duplicating any 2 consecutive bases within chr1:119,916,528-119,916,530 gives the same sequence; the c. name uses the placement nearest the transcript's 3' end. VCF-style (leftmost placement, unchanged base first): chr1-119916527-G-GTA. GRCh37 (hg19) VCF-style: chr1-120459150-G-GTA.
Other names: short protein forms N2066fs.
Identifiers: ClinVar variation 1687588 (VCV001687588.1), dbSNP rs2101144806, ClinGen allele CA2573130964.

ClinVar aggregate classification (germline): Likely pathogenic (1 of 4 stars; one submission).

Conditions:
Hajdu-Cheney syndrome (HJCYS). Also called: ACROOSTEOLYSIS WITH OSTEOPOROSIS AND CHANGES IN SKULL AND MANDIBLE; SERPENTINE FIBULA-POLYCYSTIC KIDNEY SYNDROME; Acroosteolysis dominant type. Identifiers: Orphanet 955, MedGen C0917715, MONDO:0007057, OMIM 102500.

Submission:

3billion
Classification: Likely pathogenic for Hajdu-Cheney syndrome. Last evaluated: 2022-05-22. Review status: criteria provided, single submitter. Criteria: ACMG Guidelines, 2015. Collection method: clinical testing. Allele origin: germline. Affected: yes. Observed: 1 heterozygote.
Comment: The variant is not observed in the gnomAD v2.1.1 dataset. Frameshift: predicted to result in a loss or disruption of normal protein function through protein truncation. The predicted truncated protein may be shortened by more than 10%. Most of the known pathogenic variants occurs in the same region, the last exon of the gene. Truncated protein is expect to exert persistent Notch intracellular signal (PMID: 21378985). Therefore, this variant is classified as likely pathogenic according to the recommendation of ACMG/AMP guideline.